The following is an entry in ClinVar:

NM_001370100.5(ZMYND11):c.127C>G (p.Arg43Gly)

Gene: ZMYND11 (zinc finger MYND-type containing 11; plus strand). Cytogenetic location: 10p15.3.
Variant type: single nucleotide variant.
Coding change: c.127C>G on transcript NM_001370100.5 (MANE Select); coding-DNA position 127, C replaced by G.
Protein change: p.Arg43Gly; replaces arginine 43 with glycine.
Molecular consequence: missense variant. On other transcripts: non-coding transcript variant (1), intron variant (1).
Genome position (GRCh38, 1-based): chr10:209,899, C>G. VCF-style: chr10-209899-C-G. GRCh37 (hg19) VCF-style: chr10-255839-C-G.
Other names: c.127C>G, p.Arg43Gly (NM_001370098.2, NM_001370099.2, NM_001370101.2 and 24 more transcripts); c.76C>G, p.Arg26Gly (NM_001330057.3, NM_001370112.2, NM_001370123.2); c.61C>G, p.Arg21Gly (NM_001370116.2, NM_001370120.2); c.7C>G, p.Arg3Gly (NM_001370118.2, NM_001370121.2); c.-33-26939C>G (NM_001370124.3); short protein forms R21G, R3G, R26G, R43G.
Identifiers: ClinVar variation 5007696 (VCV005007696.2).

ClinVar aggregate classification (germline): Uncertain significance (1 of 4 stars; one submission).

Conditions:
Intellectual developmental disorder, autosomal dominant 30, with speech delay and behavioral abnormalities. Also called: Intellectual disability, autosomal dominant 30. Identifiers: Orphanet 436151, MedGen C4015167, MONDO:0014486, OMIM 616083.

Submission:

Juno Genomics, Hangzhou Juno Genomics, Inc
Classification: Uncertain significance for Intellectual developmental disorder, autosomal dominant 30, with speech delay and behavioral abnormalities. Review status: criteria provided, single submitter. Criteria: ACMG Guidelines, 2015. Collection method: clinical testing. Allele origin: germline.
Comment: Absent from controls (or at extremely low frequency if recessive) in Genome Aggregation Database.;Missense variant in a gene that has a low rate of benign missense variation.